The following is an entry in ClinVar:

NM_024334.3(TMEM43):c.131T>C (p.Leu44Pro)

Gene: TMEM43 (transmembrane protein 43; plus strand). Cytogenetic location: 3p25.1.
Variant type: single nucleotide variant.
Coding change: c.131T>C on transcript NM_024334.3 (MANE Select); coding-DNA position 131, T replaced by C.
Protein change: p.Leu44Pro; replaces leucine 44 with proline.
Molecular consequence: missense variant. On other transcripts: intron variant (1).
Genome position (GRCh38, 1-based): chr3:14,129,530, T>C. VCF-style: chr3-14129530-T-C. GRCh37 (hg19) VCF-style: chr3-14171030-T-C.
Other names: c.131T>C, p.Leu44Pro (NM_001407274.1, NM_001407275.1, NM_001407276.1 and 3 more transcripts); c.13-1292T>C (NM_001407280.1); short protein forms L44P.
Identifiers: ClinVar variation 2566307 (VCV002566307.2), dbSNP rs1695065337, ClinGen allele CA351534401.

ClinVar aggregate classification (germline): Uncertain significance (1 of 4 stars; one submission).

Conditions:
Cardiovascular phenotype. Identifiers: MedGen CN230736.

Allele frequency attached by ClinVar (database versions not stated): gnomAD 0.00001.
gnomAD v4.1: 2 of 1,614,014 alleles (0.00012%); highest among the groups gnomAD compares: African/African-American, 0.0013%; no homozygotes.

Submission:

Ambry Genetics
Classification: Uncertain significance for Cardiovascular phenotype. Last evaluated: 2023-05-21. Review status: criteria provided, single submitter. Criteria: Ambry Variant Classification Scheme 2023. Collection method: clinical testing. Allele origin: germline.
Comment: The p.L44P variant (also known as c.131T>C), located in coding exon 2 of the TMEM43 gene, results from a T to C substitution at nucleotide position 131. The leucine at codon 44 is replaced by proline, an amino acid with similar properties. This amino acid position is conserved. In addition, this alteration is predicted to be tolerated by in silico analysis. Since supporting evidence is limited at this time, the clinical significance of this alteration remains unclear.